The following is an entry in ClinVar:

NM_001211.6(BUB1B):c.1262G>A (p.Arg421Gln)

Gene: BUB1B (BUB1 mitotic checkpoint serine/threonine kinase B; plus strand). Cytogenetic location: 15q15.1.
Variant type: single nucleotide variant.
Coding change: c.1262G>A on transcript NM_001211.6 (MANE Select); coding-DNA position 1262, G replaced by A.
Protein change: p.Arg421Gln; replaces arginine 421 with glutamine.
Molecular consequence: missense variant.
Genome position (GRCh38, 1-based): chr15:40,196,748, G>A. VCF-style: chr15-40196748-G-A. GRCh37 (hg19) VCF-style: chr15-40488949-G-A.
Other names: short protein forms R421Q.
Identifiers: ClinVar variation 654867 (VCV000654867.11), dbSNP rs150983783, ClinGen allele CA7475682.

ClinVar aggregate classification (germline): Uncertain significance. Review status: criteria provided, multiple submitters, no conflicts (2 of 4 stars). 2 submissions from 2 submitters: Uncertain significance (2). Last evaluated 2026-02-11.

Conditions:
Mosaic variegated aneuploidy syndrome 1 (MVA1). Also called: Warburton-Anyane-Yeboa syndrome. Identifiers: Orphanet 1052, MedGen C1850343, MONDO:0009759, OMIM 257300.

Allele frequency attached by ClinVar (database versions not stated): ExAC 0.00002; TOPMed 0.00006; gnomAD 0.00002; gnomAD exomes 0.00003; ESP Exome Variant Server 0.00015.
gnomAD v4.1: 43 of 1,613,802 alleles (0.0027%); highest among the groups gnomAD compares: Admixed American, 0.0033%; no homozygotes.

Submissions (2):

St. Jude Molecular Pathology, St. Jude Children's Research Hospital
Classification: Uncertain significance for Mosaic variegated aneuploidy syndrome 1. Last evaluated: 2026-02-11. Review status: criteria provided, single submitter. Criteria: St. Jude Assertion Criteria 2020. Collection method: clinical testing. Allele origin: germline.
Comment: The BUB1B c.1262G>A p.(Arg421Gln) missense change has a maximum subpopulation frequency of 0.01% in gnomAD v2.1.1. The in silico tool REVEL predicts a benign effect on protein function, but to our knowledge this prediction has not been confirmed by functional studies. To our knowledge, this variant has not been reported in individuals with mosaic variegated aneuploidy syndrome. In summary, the evidence currently available is insufficient to determine the role of this variant in mosaic variegated aneuploidy syndrome. It has therefore been classified as of uncertain significance.

Labcorp Genetics (formerly Invitae), Labcorp
Classification: Uncertain significance for Mosaic variegated aneuploidy syndrome 1. Last evaluated: 2022-03-07. Review status: criteria provided, single submitter. Criteria: Invitae Variant Classification Sherloc (09022015). Collection method: clinical testing. Allele origin: germline.
Comment: This sequence change replaces arginine, which is basic and polar, with glutamine, which is neutral and polar, at codon 421 of the BUB1B protein (p.Arg421Gln). In summary, the available evidence is currently insufficient to determine the role of this variant in disease. Therefore, it has been classified as a Variant of Uncertain Significance. Algorithms developed to predict the effect of missense changes on protein structure and function (SIFT, PolyPhen-2, Align-GVGD) all suggest that this variant is likely to be tolerated. ClinVar contains an entry for this variant (Variation ID: 654867). This variant has not been reported in the literature in individuals affected with BUB1B-related conditions. This variant is present in population databases (rs150983783, gnomAD 0.01%).